The following is an entry in ClinVar:

NM_000026.4(ADSL):c.482+3A>T

Gene: ADSL (adenylosuccinate lyase; plus strand). Cytogenetic location: 22q13.1.
Variant type: single nucleotide variant.
Coding change: c.482+3A>T on transcript NM_000026.4 (MANE Select); 3 bases into the intron after coding-DNA position 482, A replaced by T.
Molecular consequence: intron variant.
Genome position (GRCh38, 1-based): chr22:40,354,330, A>T. VCF-style: chr22-40354330-A-T. GRCh37 (hg19) VCF-style: chr22-40750334-A-T.
Other names: c.482+3A>T (NM_001363840.3, NM_001123378.3); c.290+3A>T (NM_001317923.2).
Identifiers: ClinVar variation 2015180 (VCV002015180.4), dbSNP rs2518100385, ClinGen allele CA2580099894.
Genomic context (GRCh38, chr22:40,354,330, plus strand): 5'-TTGCCGACTTTGCTAAGGAACGAGCCAGTCTACCCACATTAGGTTTCACACATTTCCAGT[A>T]AGTGATAAGATTACTTCTTGTTTATGTGCATATGGCTTTCAGCTGCTTCTTGAGTTCTCT-3'

ClinVar aggregate classification (germline): Uncertain significance (1 of 4 stars; one submission).

Conditions:
Adenylosuccinate lyase deficiency (ADSLD). Also called: ADSL DEFICIENCY. Identifiers: Orphanet 46, MedGen C0268126, MONDO:0007068, OMIM 103050.

Submission:

Labcorp Genetics (formerly Invitae), Labcorp
Classification: Uncertain significance for Adenylosuccinate lyase deficiency. Last evaluated: 2024-10-16. Review status: criteria provided, single submitter. Criteria: Invitae Variant Classification Sherloc (09022015). Collection method: clinical testing. Allele origin: germline.
Comment: This sequence change falls in intron 4 of the ADSL gene. It does not directly change the encoded amino acid sequence of the ADSL protein. It affects a nucleotide within the consensus splice site. This variant is not present in population databases (gnomAD no frequency). This variant has not been reported in the literature in individuals affected with ADSL-related conditions. ClinVar contains an entry for this variant (Variation ID: 2015180). Variants that disrupt the consensus splice site are a relatively common cause of aberrant splicing (PMID: 17576681, 9536098). Algorithms developed to predict the effect of sequence changes on RNA splicing suggest that this variant may disrupt the consensus splice site. In summary, the available evidence is currently insufficient to determine the role of this variant in disease. Therefore, it has been classified as a Variant of Uncertain Significance.

Literature cited by the submitters: PubMed 17576681; PubMed 9536098.